The following is an entry in ClinVar:

NM_178452.6(DNAAF1):c.1532C>T (p.Pro511Leu)

Gene: DNAAF1 (dynein axonemal assembly factor 1; plus strand). Cytogenetic location: 16q24.1.
Variant type: single nucleotide variant.
Coding change: c.1532C>T on transcript NM_178452.6 (MANE Select); coding-DNA position 1532, C replaced by T.
Protein change: p.Pro511Leu; replaces proline 511 with leucine.
Molecular consequence: missense variant.
Genome position (GRCh38, 1-based): chr16:84,172,263, C>T. VCF-style: chr16-84172263-C-T. GRCh37 (hg19) VCF-style: chr16-84205869-C-T.
Other names: c.824C>T, p.Pro275Leu (NM_001318756.1); c.1532C>T (NM_178452.5); short protein forms P511L, P275L.
Identifiers: ClinVar variation 199193 (VCV000199193.16), dbSNP rs144393177, ClinGen allele CA248273.
Genomic context (GRCh38, chr16:84,172,263, plus strand): 5'-TCGTCCATCTGCCTGCCGTGTGTTAAACTAACTCCAAGACTTGTTGTTGCTCTTTAGAAC[C>T]GACTCCCCAGGCTGTGGCCACTGAGGGTGTATTCGTTACAGAACTTGATGGAACGAGAAC-3'
Protein context (NP_848547.4, residues 501-521): PPPLGAAREE[Pro511Leu]TPQAVATEGV

ClinVar aggregate classification (germline): Uncertain significance. Review status: criteria provided, multiple submitters, no conflicts (2 of 4 stars). 6 submissions from 6 submitters: Uncertain significance (5). 1 of the submissions does not count toward it. Last evaluated 2025-02-27.

Conditions:
DNAAF1-related disorder. Also called: DNAAF1-related condition.
Primary ciliary dyskinesia. Also called: Ciliary dyskinesia. Identifiers: Orphanet 244, MedGen C0008780, MONDO:0016575, HP:0012265.

Allele frequency attached by ClinVar (database versions not stated): TOPMed 0.00009; gnomAD exomes 0.00015; 1000 Genomes Project 30x 0.00016; 1000 Genomes Project 0.00020; ExAC 0.00020.
gnomAD v4.1: 147 of 1,613,854 alleles (0.0091%); highest among the groups gnomAD compares: South Asian, 0.027%; 2 homozygotes.

Submissions (6):

Ambry Genetics
Classification: Uncertain significance for Primary ciliary dyskinesia. Last evaluated: 2025-02-27. Review status: criteria provided, single submitter. Criteria: Ambry Variant Classification Scheme 2023. Collection method: clinical testing. Allele origin: germline.

Labcorp Genetics (formerly Invitae), Labcorp
Classification: Uncertain significance for Primary ciliary dyskinesia. Last evaluated: 2025-01-23. Review status: criteria provided, single submitter. Criteria: Invitae Variant Classification Sherloc (09022015). Collection method: clinical testing. Allele origin: germline.
Comment: This sequence change replaces proline, which is neutral and non-polar, with leucine, which is neutral and non-polar, at codon 511 of the DNAAF1 protein (p.Pro511Leu). This variant is present in population databases (rs144393177, gnomAD 0.05%). This variant has not been reported in the literature in individuals affected with DNAAF1-related conditions. ClinVar contains an entry for this variant (Variation ID: 199193). An algorithm developed to predict the effect of missense changes on protein structure and function outputs the following: PolyPhen-2: "Benign". The leucine amino acid residue is found in multiple mammalian species, which suggests that this missense change does not adversely affect protein function. In summary, the available evidence is currently insufficient to determine the role of this variant in disease. Therefore, it has been classified as a Variant of Uncertain Significance.

Blueprint Genetics
Classification: Uncertain significance. Last evaluated: 2024-09-06. Review status: criteria provided, single submitter. Criteria: ACMG Guidelines, 2015. Collection method: clinical testing. Allele origin: germline.

Eurofins Ntd Llc (ga)
Classification: Uncertain significance. Last evaluated: 2014-07-11. Review status: criteria provided, single submitter. Criteria: EGL Classification Definitions 2015. Collection method: clinical testing. Allele origin: germline. Observed: 1 variant allele, 1 heterozygote.

Breakthrough Genomics
Classification: Uncertain significance. Review status: criteria provided, single submitter. Criteria: ACMG Guidelines, 2015. Collection method: not provided. Allele origin: germline. Inheritance: Autosomal recessive inheritance. Affected: yes.

PreventionGenetics, part of Exact Sciences
Classification: Uncertain significance for DNAAF1-related condition. Last evaluated: 2023-11-08. Review status: no assertion criteria provided. Collection method: clinical testing. Allele origin: germline. Not counted in ClinVar's aggregate classification.
Comment: The DNAAF1 c.1532C>T variant is predicted to result in the amino acid substitution p.Pro511Leu. To our knowledge, this variant has not been reported in the literature. This variant is reported in 0.060% of alleles in individuals of East Asian descent in gnomAD. At this time, the clinical significance of this variant is uncertain due to the absence of conclusive functional and genetic evidence.